The following is an entry in ClinVar:

NM_001366110.1(PAX4):c.233G>A (p.Arg78Gln)

Gene: PAX4 (paired box 4; minus strand). Cytogenetic location: 7q32.1.
Variant type: single nucleotide variant.
Coding change: c.233G>A on transcript NM_001366110.1 (MANE Select); coding-DNA position 233, G replaced by A.
Protein change: p.Arg78Gln; replaces arginine 78 with glutamine.
Molecular consequence: missense variant.
Genome position (GRCh38, 1-based): chr7:127,615,007, C>T on the plus strand (G>A on the coding strand, the complement: PAX4 is on the minus strand). VCF-style: chr7-127615007-C-T. GRCh37 (hg19) VCF-style: chr7-127255061-C-T.
Other names: c.233G>A, p.Arg78Gln (NM_001366111.1); short protein forms R78Q.
Identifiers: ClinVar variation 2420898 (VCV002420898.6), dbSNP rs561603997, ClinGen allele CA4468153.

ClinVar aggregate classification (germline): Uncertain significance (1 of 4 stars; one submission).

Allele frequency attached by ClinVar (database versions not stated): ExAC 0.00003; gnomAD 0.00003; 1000 Genomes Project 0.00020; 1000 Genomes Project 30x 0.00031.
gnomAD v4.1: 51 of 1,614,176 alleles (0.0032%); highest among the groups gnomAD compares: South Asian, 0.031%; no homozygotes.

Submission:

Labcorp Genetics (formerly Invitae), Labcorp
Classification: Uncertain significance. Last evaluated: 2025-12-15. Review status: criteria provided, single submitter. Criteria: Invitae Variant Classification Sherloc (09022015). Collection method: clinical testing. Allele origin: germline.
Comment: This sequence change replaces arginine, which is basic and polar, with glutamine, which is neutral and polar, at codon 70 of the PAX4 protein (p.Arg70Gln). This variant is present in population databases (rs561603997, gnomAD 0.01%). This variant has not been reported in the literature in individuals affected with PAX4-related conditions. ClinVar contains an entry for this variant (Variation ID: 2420898). An algorithm developed to predict the effect of missense changes on protein structure and function (PolyPhen-2) suggests that this variant is likely to be disruptive. In summary, the available evidence is currently insufficient to determine the role of this variant in disease. Therefore, it has been classified as a Variant of Uncertain Significance.